The following is an entry in ClinVar:

NM_001199397.3(NEK1):c.1014_1015del (p.His338fs)

Gene: NEK1 (NIMA related kinase 1; minus strand). Cytogenetic location: 4q33.
Variant type: Deletion.
Coding change: c.1014_1015del on transcript NM_001199397.3 (MANE Select); coding-DNA positions 1014 to 1015, 2 bases deleted (TA; older notation c.1014_1015delTA).
Protein change: p.His338fs; shifts the reading frame from histidine 338.
Molecular consequence: frameshift variant. On other transcripts: non-coding transcript variant (2).
Genome position (GRCh38, 1-based): chr4:169,576,933-169,576,934, TA deleted on the plus strand (TA on the coding strand, the reverse complement: NEK1 is on the minus strand); deleting any 2 consecutive bases within chr4:169,576,933-169,576,935 gives the same sequence; the c. name uses the placement nearest the transcript's 3' end. VCF-style (leftmost placement, unchanged base first): chr4-169576932-TTA-T. GRCh37 (hg19) VCF-style: chr4-170498083-TTA-T.
Other names: c.1014_1015del, p.His338fs (NM_001199398.3, NM_001199399.3, NM_001199400.3 and 7 more transcripts); short protein forms H338fs.
Identifiers: ClinVar variation 3342619 (VCV003342619.1).

ClinVar aggregate classification (germline): Likely pathogenic (1 of 4 stars; one submission).

Submission:

GeneDx
Classification: Likely pathogenic. Last evaluated: 2023-05-17. Review status: criteria provided, single submitter. Criteria: GeneDx Variant Classification Process June 2021. Collection method: clinical testing. Allele origin: germline. Affected: yes.
Comment: Frameshift variant predicted to result in protein truncation or nonsense mediated decay in a gene for which loss of function is a known mechanism of disease; This variant is associated with the following publications: (PMID: 33879512)